The following is an entry in ClinVar:

ClinVar aggregate classification (germline): Uncertain significance. Review status: criteria provided, multiple submitters, no conflicts (2 of 4 stars). 2 submissions from 2 submitters: Uncertain significance (2). Last evaluated 2024-11-10.

Conditions:
Hereditary cancer-predisposing syndrome. Also called: Hereditary Cancer Syndrome; Hereditary neoplastic syndrome; Tumor predisposition; Neoplastic Syndromes, Hereditary. Identifiers: Orphanet 140162, MedGen C0027672, MeSH D009386, MONDO:0015356.

Submissions (2):

Ambry Genetics
Classification: Uncertain significance for Hereditary cancer-predisposing syndrome. Last evaluated: 2024-11-10. Review status: criteria provided, single submitter. Criteria: Ambry Variant Classification Scheme 2023. Collection method: clinical testing. Allele origin: germline.
Comment: The p.T289A variant (also known as c.865A>G), located in coding exon 6 of the NTHL1 gene, results from an A to G substitution at nucleotide position 865. The threonine at codon 289 is replaced by alanine, an amino acid with similar properties. This amino acid position is conserved. In addition, this alteration is predicted to be tolerated by in silico analysis. Based on the available evidence, the clinical significance of this variant remains unclear.

Labcorp Genetics (formerly Invitae), Labcorp
Classification: Uncertain significance. Last evaluated: 2023-12-30. Review status: criteria provided, single submitter. Criteria: Invitae Variant Classification Sherloc (09022015). Collection method: clinical testing. Allele origin: germline.
Comment: This sequence change replaces threonine, which is neutral and polar, with alanine, which is neutral and non-polar, at codon 289 of the NTHL1 protein (p.Thr289Ala). This variant is not present in population databases (gnomAD no frequency). This variant has not been reported in the literature in individuals affected with NTHL1-related conditions. An algorithm developed to predict the effect of missense changes on protein structure and function (PolyPhen-2) suggests that this variant is likely to be tolerated. In summary, the available evidence is currently insufficient to determine the role of this variant in disease. Therefore, it has been classified as a Variant of Uncertain Significance.

NM_002528.7(NTHL1):c.841A>G (p.Thr281Ala)

Gene: NTHL1 (nth like DNA glycosylase 1; minus strand). Cytogenetic location: 16p13.3.
Variant type: single nucleotide variant.
Coding change: c.841A>G on transcript NM_002528.7 (MANE Select); coding-DNA position 841, A replaced by G.
Protein change: p.Thr281Ala; replaces threonine 281 with alanine.
Molecular consequence: missense variant.
Genome position (GRCh38, 1-based): chr16:2,039,998, T>C on the plus strand (A>G on the coding strand, the complement: NTHL1 is on the minus strand). VCF-style: chr16-2039998-T-C. GRCh37 (hg19) VCF-style: chr16-2089999-T-C.
Other names: c.670A>G, p.Thr224Ala (NM_001318193.2); c.511A>G, p.Thr171Ala (NM_001318194.2); c.865A>G (NM_002528.5); short protein forms T171A, T224A, T281A.
Identifiers: ClinVar variation 2878931 (VCV002878931.4), dbSNP rs2548311437, ClinGen allele CA394287283.